The following is an entry in ClinVar:

NM_022051.3(EGLN1):c.506C>T (p.Pro169Leu)

Gene: EGLN1 (egl-9 family hypoxia inducible factor 1; minus strand). Cytogenetic location: 1q42.2.
Variant type: single nucleotide variant.
Coding change: c.506C>T on transcript NM_022051.3 (MANE Select); coding-DNA position 506, C replaced by T.
Protein change: p.Pro169Leu; replaces proline 169 with leucine.
Molecular consequence: missense variant.
Genome position (GRCh38, 1-based): chr1:231,421,383, G>A on the plus strand (C>T on the coding strand, the complement: EGLN1 is on the minus strand). VCF-style: chr1-231421383-G-A. GRCh37 (hg19) VCF-style: chr1-231557129-G-A.
Other names: c.506C>T, p.Pro169Leu (NM_001377260.1, NM_001377261.1); short protein forms P169L.
Identifiers: ClinVar variation 4016878 (VCV004016878.1).

ClinVar aggregate classification (germline): Uncertain significance (1 of 4 stars; one submission).

Submission:

Ambry Genetics
Classification: Uncertain significance. Last evaluated: 2025-06-08. Review status: criteria provided, single submitter. Criteria: Ambry Variant Classification Scheme 2023. Collection method: clinical testing. Allele origin: germline.
Comment: The p.P169L variant (also known as c.506C>T), located in coding exon 1 of the EGLN1 gene, results from a C to T substitution at nucleotide position 506. The proline at codon 169 is replaced by leucine, an amino acid with similar properties. This amino acid position is conserved. In addition, this alteration is predicted to be tolerated by in silico analysis. Based on the available evidence, the clinical significance of this variant remains unclear.